The following is an entry in ClinVar:

NM_032578.4(MYPN):c.2189C>G (p.Thr730Arg)

Gene: MYPN (myopalladin; plus strand). Cytogenetic location: 10q21.3.
Variant type: single nucleotide variant.
Coding change: c.2189C>G on transcript NM_032578.4 (MANE Select); coding-DNA position 2189, C replaced by G.
Protein change: p.Thr730Arg; replaces threonine 730 with arginine.
Molecular consequence: missense variant. On other transcripts: non-coding transcript variant (2).
Genome position (GRCh38, 1-based): chr10:68,174,281, C>G. VCF-style: chr10-68174281-C-G. GRCh37 (hg19) VCF-style: chr10-69934038-C-G.
Other names: c.2189C>G, p.Thr730Arg (NM_001256267.2); c.1307C>G, p.Thr436Arg (NM_001256268.2); short protein forms T730R, T436R.
Identifiers: ClinVar variation 619278 (VCV000619278.3), dbSNP rs373040567, ClinGen allele CA376845239.

ClinVar aggregate classification (germline): Uncertain significance. Review status: criteria provided, multiple submitters, no conflicts (2 of 4 stars). 2 submissions from 2 submitters: Uncertain significance (2). Last evaluated 2023-02-17.

Conditions:
Hypertrophic cardiomyopathy. Also called: HYPERTROPHIC MYOCARDIOPATHY. Identifiers: Orphanet 217569, MedGen C0007194, MeSH D002312, MONDO:0005045, HP:0001639.

gnomAD v4.1: 1 of 1,614,166 alleles (0.000062%); no homozygotes.

Submissions (2):

Women's Health and Genetics/Laboratory Corporation of America, LabCorp
Classification: Uncertain significance. Last evaluated: 2023-02-17. Review status: criteria provided, single submitter. Criteria: LabCorp Variant Classification Summary - May 2015. Collection method: clinical testing. Allele origin: germline.
Comment: Variant summary: MYPN c.2189C>G (p.Thr730Arg) results in a non-conservative amino acid change in the encoded protein sequence. Three of four in-silico tools predict a benign effect of the variant on protein function. The variant was absent in 251420 control chromosomes. The available data on variant occurrences in the general population are insufficient to allow any conclusion about variant significance. c.2189C>G has been reported in the literature in individuals affected with Cardiomyopathy (Robyns_2020). These report(s) do not provide unequivocal conclusions about association of the variant with Cardiomyopathy. To our knowledge, no experimental evidence demonstrating an impact on protein function has been reported. One clinical diagnostic laboratory has submitted clinical-significance assessments for this variant to ClinVar after 2014 without evidence for independent evaluation. One laboratory classified the variant as uncertain significance. Based on the evidence outlined above, the variant was classified as uncertain significance.

Center for Human Genetics, University of Leuven
Classification: Uncertain significance for Hypertrophic cardiomyopathy. Last evaluated: 2018-10-31. Review status: criteria provided, single submitter. Criteria: ACMG Guidelines, 2015. Collection method: clinical testing. Allele origin: germline. Affected: yes.

Literature cited by the submitters: PubMed 31513939 (cited by Women's Health and Genetics/Laboratory Corporation of America, LabCorp).